The following is an entry in ClinVar:

NC_000008.10:g.(?_63973811)_(63998581_?)del

Gene: TTPA (alpha tocopherol transfer protein; minus strand). Cytogenetic location: 8q12.3.
Variant type: Deletion.
Identifiers: ClinVar variation 3245551 (VCV003245551.1).

ClinVar aggregate classification (germline): Pathogenic (1 of 4 stars; one submission).

Submission:

Labcorp Genetics (formerly Invitae), Labcorp
Classification: Pathogenic. Last evaluated: 2023-12-11. Review status: criteria provided, single submitter. Criteria: Invitae Variant Classification Sherloc (09022015). Collection method: clinical testing. Allele origin: unknown.
Comment: A gross deletion of the genomic region encompassing the full coding sequence of the TTPA gene has been identified. Loss-of-function variants in TTPA are known to be pathogenic (PMID: 9463307, 26068213). The boundaries of this event are unknown as they extend beyond the assayed region for this gene and therefore may encompass additional genes. A similar copy number variant has been observed in individual(s) with TTPA-related conditions (PMID: 19102053). For these reasons, this variant has been classified as Pathogenic.

Literature cited by the submitters: PubMed 9463307; PubMed 26068213; PubMed 19102053.